The following is an entry in ClinVar:

NM_032119.4(ADGRV1):c.5249T>C (p.Leu1750Pro)

Gene: ADGRV1 (adhesion G protein-coupled receptor V1; plus strand). Cytogenetic location: 5q14.3.
Variant type: single nucleotide variant.
Coding change: c.5249T>C on transcript NM_032119.4 (MANE Select); coding-DNA position 5249, T replaced by C.
Protein change: p.Leu1750Pro; replaces leucine 1750 with proline.
Molecular consequence: missense variant. On other transcripts: non-coding transcript variant (1).
Genome position (GRCh38, 1-based): chr5:90,675,381, T>C. VCF-style: chr5-90675381-T-C. GRCh37 (hg19) VCF-style: chr5-89971198-T-C.
Other names: short protein forms L1750P.
Identifiers: ClinVar variation 2010335 (VCV002010335.4), dbSNP rs2530735291, ClinGen allele CA360410129.
Genomic context (GRCh38, chr5:90,675,381, plus strand): 5'-TCACTGTGGAGGAGGAAGATGGAGAAATCAGGTTATTGGTCATCCGTGCACAGGGACTTC[T>C]GGGAAGGGTGACTGCGGAATTTAGAACAGTGTCCTTGACAGCATTCAGTCCTGAGGATTA-3'
Protein context (NP_115495.3, residues 1740-1760): RLLVIRAQGL[Leu1750Pro]GRVTAEFRTV

ClinVar aggregate classification (germline): Uncertain significance (1 of 4 stars; one submission).

Submission:

Labcorp Genetics (formerly Invitae), Labcorp
Classification: Uncertain significance. Last evaluated: 2025-03-17. Review status: criteria provided, single submitter. Criteria: Invitae Variant Classification Sherloc (09022015). Collection method: clinical testing. Allele origin: germline.
Comment: This sequence change replaces leucine, which is neutral and non-polar, with proline, which is neutral and non-polar, at codon 1750 of the ADGRV1 protein (p.Leu1750Pro). This variant is not present in population databases (gnomAD no frequency). This variant has not been reported in the literature in individuals affected with ADGRV1-related conditions. ClinVar contains an entry for this variant (Variation ID: 2010335). Invitae Evidence Modeling of protein sequence and biophysical properties (such as structural, functional, and spatial information, amino acid conservation, physicochemical variation, residue mobility, and thermodynamic stability) indicates that this missense variant is not expected to disrupt ADGRV1 protein function with a negative predictive value of 95%. In summary, the available evidence is currently insufficient to determine the role of this variant in disease. Therefore, it has been classified as a Variant of Uncertain Significance.